The following is an entry in ClinVar:

NM_013382.7(POMT2):c.229G>A (p.Asp77Asn)

Gene: POMT2 (protein O-mannosyltransferase 2; minus strand). Cytogenetic location: 14q24.3.
Variant type: single nucleotide variant.
Coding change: c.229G>A on transcript NM_013382.7 (MANE Select); coding-DNA position 229, G replaced by A.
Protein change: p.Asp77Asn; replaces aspartic acid 77 with asparagine.
Molecular consequence: missense variant.
Genome position (GRCh38, 1-based): chr14:77,320,453, C>T on the plus strand (G>A on the coding strand, the complement: POMT2 is on the minus strand). VCF-style: chr14-77320453-C-T. GRCh37 (hg19) VCF-style: chr14-77786796-C-T.
Other names: p.Asp77Asn; short protein forms D77N.
Identifiers: ClinVar variation 497671 (VCV000497671.24), dbSNP rs200992827, ClinGen allele CA7286258.

ClinVar aggregate classification (germline): Conflicting classifications of pathogenicity. Review status: criteria provided, conflicting classifications (1 of 4 stars). 8 submissions from 8 submitters: Uncertain significance (5); Likely benign (3). Last evaluated 2026-01-04.

Conditions:
Muscular dystrophy-dystroglycanopathy (congenital with brain and eye anomalies), type A2. Also called: MUSCULAR DYSTROPHY-DYSTROGLYCANOPATHY (CONGENITAL WITH BRAIN AND EYE ANOMALIES), TYPE A, 2; WALKER-WARBURG SYNDROME OR MUSCLE-EYE-BRAIN DISEASE, POMT2-RELATED. Identifiers: Orphanet 588, Orphanet 899, MedGen C3150411, MONDO:0013154, OMIM 613150.
Muscular dystrophy-dystroglycanopathy (congenital with impaired intellectual development), type B, 2. Also called: Muscular dystrophy-dystroglycanopathy (congenital with intellectual disability), type B2; MUSCULAR DYSTROPHY, CONGENITAL, POMT2-RELATED. Identifiers: MedGen C3150416, MONDO:0013160, OMIM 613156.
Autosomal recessive limb-girdle muscular dystrophy type 2N. Also called: Muscular dystrophy-dystroglycanopathy (limb-girdle), type C, 2; MUSCULAR DYSTROPHY-DYSTROGLYCANOPATHY, LIMB-GIRDLE, POMT2-RELATED. Identifiers: Orphanet 206559, MedGen C3150418, MONDO:0013162, OMIM 613158.
Inborn genetic diseases. Identifiers: MedGen C0950123, MeSH D030342.
Muscular dystrophy-dystroglycanopathy (congenital with brain and eye anomalies), type A1 (MDDGA1). Also called: COD-MD SYNDROME; Muscular dystrophy-dystroglycanopathy (congenital with brain and eye anomalies), type A, 1; WALKER-WARBURG SYNDROME OR MUSCLE-EYE-BRAIN DISEASE, POMT1-RELATED; Hydrocephalus, agyria and retinal dysplasia; Hard +/- E syndrome; Warburg syndrome. Identifiers: Orphanet 588, Orphanet 899, MedGen C4284790, MONDO:0009364, OMIM 236670.

Allele frequency attached by ClinVar (database versions not stated): gnomAD exomes 0.00006 and 0.00013; TOPMed 0.00071; ExAC 0.00012; ESP Exome Variant Server 0.00049; 1000 Genomes Project 30x 0.00094; gnomAD 0.00046 and 0.00051; 1000 Genomes Project 0.00060.
gnomAD v4.1: 162 of 1,546,402 alleles (0.01%); highest among the groups gnomAD compares: African/African-American, 0.17%; no homozygotes.

Submissions (8):

Labcorp Genetics (formerly Invitae), Labcorp
Classification: Likely benign for Muscular dystrophy-dystroglycanopathy (congenital with impaired intellectual development), type B, 2; Muscular dystrophy-dystroglycanopathy (congenital with brain and eye anomalies), type A2; Autosomal recessive limb-girdle muscular dystrophy type 2N. Last evaluated: 2026-01-04. Review status: criteria provided, single submitter. Criteria: Invitae Variant Classification Sherloc (09022015). Collection method: clinical testing. Allele origin: germline.

GeneDx
Classification: Uncertain significance. Last evaluated: 2025-08-01. Review status: criteria provided, single submitter. Criteria: GeneDx Variant Classification Process June 2021. Collection method: clinical testing. Allele origin: germline. Affected: yes.
Comment: In silico analysis suggests that this missense variant does not alter protein structure/function; Has not been previously published as pathogenic or benign to our knowledge; This variant is associated with the following publications: (PMID: 30564623, 17923109)

Mayo Clinic Laboratories, Mayo Clinic
Classification: Likely benign. Last evaluated: 2025-03-05. Review status: criteria provided, single submitter. Criteria: ACMG Guidelines, 2015. Collection method: clinical testing. Allele origin: germline. Observed: 1 variant allele.
Comment: BS1, BP4

Athena Diagnostics
Classification: Likely benign. Last evaluated: 2025-01-21. Review status: criteria provided, single submitter. Criteria: Athena Diagnostics Criteria. Collection method: clinical testing. Allele origin: unknown.
Comment: The frequency of this variant in the general population is higher than would generally be expected for pathogenic variants in this gene. Computational tools predict this amino acid change may be benign.

Ambry Genetics
Classification: Uncertain significance for Inborn genetic diseases. Last evaluated: 2024-01-02. Review status: criteria provided, single submitter. Criteria: Ambry Variant Classification Scheme 2023. Collection method: clinical testing. Allele origin: germline.

Revvity Omics, Revvity
Classification: Uncertain significance. Last evaluated: 2023-05-02. Review status: criteria provided, single submitter. Criteria: ACMG Guidelines, 2015. Collection method: clinical testing. Allele origin: germline.

Fulgent Genetics
Classification: Uncertain significance for Muscular dystrophy-dystroglycanopathy (congenital with brain and eye anomalies), type A1; Muscular dystrophy-dystroglycanopathy (congenital with brain and eye anomalies), type A2; Muscular dystrophy-dystroglycanopathy (congenital with impaired intellectual development), type B, 2; Autosomal recessive limb-girdle muscular dystrophy type 2N. Last evaluated: 2022-05-17. Review status: criteria provided, single submitter. Criteria: ACMG Guidelines, 2015. Collection method: clinical testing. Allele origin: unknown.

Eurofins Ntd Llc (ga)
Classification: Uncertain significance. Last evaluated: 2017-06-20. Review status: criteria provided, single submitter. Criteria: EGL Classification Definitions 2015. Collection method: clinical testing. Allele origin: germline. Observed: 2 variant alleles, 2 heterozygotes.